The following is an entry in ClinVar:

ClinVar aggregate classification (germline): Uncertain significance (1 of 4 stars; one submission).

Conditions:
Mevalonic aciduria (MEVA). Identifiers: Orphanet 29, MedGen C1959626, MONDO:0012481, OMIM 610377.
Porokeratosis 3, disseminated superficial actinic type (POROK3). Also called: POROKERATOSIS, DISSEMINATED SUPERFICIAL ACTINIC, 1; POROKERATOSIS 3, MULTIPLE TYPES; POROKERATOSIS 3, MIBELLI TYPE. Identifiers: MedGen C1867981, MONDO:0008293, OMIM 175900.
Hyperimmunoglobulin D with periodic fever (HIDS). Also called: Hyperimmunoglobulinemia D with periodic fever; HYPERIMMUNOGLOBULINEMIA D AND PERIODIC FEVER SYNDROME; Hyperimmunoglobulinemia D. Identifiers: Orphanet 343, MedGen C0398691, MONDO:0009849, OMIM 260920.

gnomAD v4.1: 2 of 1,614,204 alleles (0.00012%); highest among the groups gnomAD compares: Non-Finnish European, 0.00017%; no homozygotes.

Submission:

Labcorp Genetics (formerly Invitae), Labcorp
Classification: Uncertain significance for Mevalonic aciduria; Hyperimmunoglobulin D with periodic fever; Porokeratosis 3, disseminated superficial actinic type. Last evaluated: 2025-10-02. Review status: criteria provided, single submitter. Criteria: Invitae Variant Classification Sherloc (09022015). Collection method: clinical testing. Allele origin: germline.
Comment: This sequence change replaces methionine, which is neutral and non-polar, with valine, which is neutral and non-polar, at codon 300 of the MVK protein (p.Met300Val). This variant is not present in population databases (gnomAD no frequency). This variant has not been reported in the literature in individuals affected with MVK-related conditions. ClinVar contains an entry for this variant (Variation ID: 3752979). Invitae Evidence Modeling of protein sequence and biophysical properties (such as structural, functional, and spatial information, amino acid conservation, physicochemical variation, residue mobility, and thermodynamic stability) has been performed for this missense variant. However, the output from this modeling did not meet the statistical confidence thresholds required to predict the impact of this variant on MVK protein function. In summary, the available evidence is currently insufficient to determine the role of this variant in disease. Therefore, it has been classified as a Variant of Uncertain Significance.

NM_000431.4(MVK):c.898A>G (p.Met300Val)

Gene: MVK (mevalonate kinase; plus strand). Cytogenetic location: 12q24.11.
Variant type: single nucleotide variant.
Coding change: c.898A>G on transcript NM_000431.4 (MANE Select); coding-DNA position 898, A replaced by G.
Protein change: p.Met300Val; replaces methionine 300 with valine.
Molecular consequence: missense variant. On other transcripts: non-coding transcript variant (4).
Genome position (GRCh38, 1-based): chr12:109,595,040, A>G. VCF-style: chr12-109595040-A-G. GRCh37 (hg19) VCF-style: chr12-110032845-A-G.
Other names: c.898A>G, p.Met300Val (NM_001114185.3, NM_001414511.1, NM_001414513.1); c.742A>G, p.Met248Val (NM_001301182.2, NM_001414514.1); c.973A>G, p.Met325Val (NM_001414512.1); c.316A>G, p.Met106Val (NM_001414515.1); short protein forms M106V, M248V, M300V, M325V.
Identifiers: ClinVar variation 3752979 (VCV003752979.2).